The following is an entry in ClinVar:

ClinVar aggregate classification (germline): Benign. Review status: criteria provided, multiple submitters, no conflicts (2 of 4 stars). 2 submissions from 2 submitters: Benign (2). Last evaluated 2018-06-19.

Allele frequency attached by ClinVar (database versions not stated): gnomAD exomes 0.11043; gnomAD 0.21632 and 0.21772; TOPMed 0.24308; 1000 Genomes Project 0.28954; 1000 Genomes Project 30x 0.29825.
gnomAD v4.1: 63,774 of 428,440 alleles (15%); highest among the groups gnomAD compares: African/African-American, 50%; 8,898 homozygotes.

Submissions (2):

GeneDx
Classification: Benign. Last evaluated: 2018-06-19. Review status: criteria provided, single submitter. Criteria: GeneDx Variant Classification (06012015). Collection method: clinical testing. Allele origin: germline. Affected: yes.
Comment: This variant is considered likely benign or benign based on one or more of the following criteria: it is a conservative change, it occurs at a poorly conserved position in the protein, it is predicted to be benign by multiple in silico algorithms, and/or has population frequency not consistent with disease.

Breakthrough Genomics
Classification: Benign. Review status: criteria provided, single submitter. Criteria: ACMG Guidelines, 2015. Collection method: not provided. Allele origin: germline. Inheritance: Autosomal recessive inheritance. Affected: yes.

NM_001080477.4(TENM3):c.5068+203T>A

Gene: TENM3 (teneurin transmembrane protein 3; plus strand). Cytogenetic location: 4q35.1.
Variant type: single nucleotide variant.
Coding change: c.5068+203T>A on transcript NM_001080477.4 (MANE Select); 203 bases into the intron after coding-DNA position 5068, T replaced by A.
Molecular consequence: intron variant.
Genome position (GRCh38, 1-based): chr4:182,773,850, T>A. VCF-style: chr4-182773850-T-A. GRCh37 (hg19) VCF-style: chr4-183695003-T-A.
Identifiers: ClinVar variation 667658 (VCV000667658.2), dbSNP rs17074057, ClinGen allele CA11868815.